The following is an entry in ClinVar:

NM_138694.4(PKHD1):c.2854G>C (p.Gly952Arg)

Gene: PKHD1 (PKHD1 ciliary IPT domain containing fibrocystin/polyductin; minus strand). Cytogenetic location: 6p12.2.
Variant type: single nucleotide variant.
Coding change: c.2854G>C on transcript NM_138694.4 (MANE Select); coding-DNA position 2854, G replaced by C.
Protein change: p.Gly952Arg; replaces glycine 952 with arginine.
Molecular consequence: missense variant.
Genome position (GRCh38, 1-based): chr6:52,043,102, C>G on the plus strand (G>C on the coding strand, the complement: PKHD1 is on the minus strand). VCF-style: chr6-52043102-C-G. GRCh37 (hg19) VCF-style: chr6-51907900-C-G.
Other names: c.2854G>C, p.Gly952Arg (NM_170724.3); short protein forms G952R.
Identifiers: ClinVar variation 549956 (VCV000549956.5), dbSNP rs773136605, ClinGen allele CA364442421.

ClinVar aggregate classification (germline): Pathogenic. Review status: criteria provided, single submitter (1 of 4 stars). 2 submissions from 2 submitters: Pathogenic (1). 1 of the submissions does not count toward it. Last evaluated 2023-09-01.

Conditions:
Polycystic kidney disease 4 (PKD4). Also called: POLYCYSTIC KIDNEY DISEASE 4 WITH OR WITHOUT POLYCYSTIC LIVER DISEASE; POLYCYSTIC KIDNEY AND HEPATIC DISEASE 1; POLYCYSTIC KIDNEY DISEASE, INFANTILE, TYPE I; PKD3; Autosomal Recessive Polycystic Kidney Disease – PKHD1. Identifiers: MedGen C4540575, MONDO:0033004, OMIM 263200.
Autosomal recessive polycystic kidney disease (ARPKD). Also called: AR polycystic kidney disease. Identifiers: Orphanet 731, Orphanet 8378, MedGen C0085548, MeSH D017044, MONDO:0009889.

Submissions (2):

Labcorp Genetics (formerly Invitae), Labcorp
Classification: Pathogenic for Autosomal recessive polycystic kidney disease. Last evaluated: 2023-09-01. Review status: criteria provided, single submitter. Criteria: Invitae Variant Classification Sherloc (09022015). Collection method: clinical testing. Allele origin: germline.
Comment: This variant is not present in population databases (gnomAD no frequency). This sequence change replaces glycine, which is neutral and non-polar, with arginine, which is basic and polar, at codon 952 of the PKHD1 protein (p.Gly952Arg). A different variant (c.2854G>A) giving rise to the same protein effect has been determined to be pathogenic (PMID: 16133180, 27225849). This suggests that this variant is also likely to be causative of disease. For these reasons, this variant has been classified as Pathogenic. Advanced modeling of protein sequence and biophysical properties (such as structural, functional, and spatial information, amino acid conservation, physicochemical variation, residue mobility, and thermodynamic stability) performed at Invitae indicates that this missense variant is expected to disrupt PKHD1 protein function. ClinVar contains an entry for this variant (Variation ID: 549956).

Counsyl
Classification: Likely pathogenic for Polycystic kidney disease 4. Last evaluated: 2017-05-02. Review status: no assertion criteria provided. Collection method: clinical testing. Allele origin: unknown. Not counted in ClinVar's aggregate classification.

Literature cited by the submitters: PubMed 16133180 (cited by Labcorp Genetics (formerly Invitae), Labcorp); PubMed 27225849 (cited by Labcorp Genetics (formerly Invitae), Labcorp).